The following is an entry in ClinVar:

ClinVar aggregate classification (germline): Uncertain significance. Review status: criteria provided, multiple submitters, no conflicts (2 of 4 stars). 2 submissions from 2 submitters: Uncertain significance (2). Last evaluated 2023-03-24.

Conditions:
Hereditary cancer-predisposing syndrome. Also called: Neoplastic Syndromes, Hereditary; Tumor predisposition; Hereditary neoplastic syndrome; Hereditary Cancer Syndrome. Identifiers: Orphanet 140162, MedGen C0027672, MeSH D009386, MONDO:0015356.

gnomAD v4.1: 1 of 1,611,764 alleles (0.000062%); highest among the groups gnomAD compares: Non-Finnish European, 0.000085%; no homozygotes.

Submissions (2):

Ambry Genetics
Classification: Uncertain significance for Hereditary cancer-predisposing syndrome. Last evaluated: 2023-03-24. Review status: criteria provided, single submitter. Criteria: Ambry Variant Classification Scheme 2023. Collection method: clinical testing. Allele origin: germline.

Labcorp Genetics (formerly Invitae), Labcorp
Classification: Uncertain significance. Last evaluated: 2021-11-11. Review status: criteria provided, single submitter. Criteria: Invitae Variant Classification Sherloc (09022015). Collection method: clinical testing. Allele origin: germline.
Comment: In summary, the available evidence is currently insufficient to determine the role of this variant in disease. Therefore, it has been classified as a Variant of Uncertain Significance. Algorithms developed to predict the effect of missense changes on protein structure and function are either unavailable or do not agree on the potential impact of this missense change (SIFT: "Deleterious"; PolyPhen-2: "Probably Damaging"; Align-GVGD: "Class C0"). This variant has not been reported in the literature in individuals affected with POLE-related conditions. This variant is not present in population databases (gnomAD no frequency). This sequence change replaces alanine, which is neutral and non-polar, with valine, which is neutral and non-polar, at codon 782 of the POLE protein (p.Ala782Val).

NM_006231.4(POLE):c.2345C>T (p.Ala782Val)

Gene: POLE (DNA polymerase epsilon, catalytic subunit; minus strand). Cytogenetic location: 12q24.33.
Variant type: single nucleotide variant.
Coding change: c.2345C>T on transcript NM_006231.4 (MANE Select); coding-DNA position 2345, C replaced by T.
Protein change: p.Ala782Val; replaces alanine 782 with valine.
Molecular consequence: missense variant.
Genome position (GRCh38, 1-based): chr12:132,665,425, G>A on the plus strand (C>T on the coding strand, the complement: POLE is on the minus strand). VCF-style: chr12-132665425-G-A. GRCh37 (hg19) VCF-style: chr12-133242011-G-A.
Other names: c.2345C>T (NM_006231.2); short protein forms A782V.
Identifiers: ClinVar variation 1389381 (VCV001389381.7), dbSNP rs2135962147, ClinGen allele CA387397836.